The following is an entry in ClinVar:

ClinVar aggregate classification (germline): Uncertain significance (1 of 4 stars; one submission).

gnomAD v4.1: 1 of 1,613,186 alleles (0.000062%); highest among the groups gnomAD compares: Non-Finnish European, 0.000085%; no homozygotes.

Submission:

GeneDx
Classification: Uncertain significance. Last evaluated: 2022-06-21. Review status: criteria provided, single submitter. Criteria: GeneDx Variant Classification Process June 2021. Collection method: clinical testing. Allele origin: germline. Affected: yes.
Comment: Not observed at significant frequency in large population cohorts (gnomAD); In silico analysis supports that this missense variant has a deleterious effect on protein structure/function; Has not been previously published as pathogenic or benign to our knowledge

NM_003072.5(SMARCA4):c.506C>T (p.Pro169Leu)

Gene: SMARCA4 (SWI/SNF related BAF chromatin remodeling complex subunit ATPase 4; plus strand). Cytogenetic location: 19p13.2.
Variant type: single nucleotide variant.
Coding change: c.506C>T on transcript NM_003072.5 (MANE Select); coding-DNA position 506, C replaced by T.
Protein change: p.Pro169Leu; replaces proline 169 with leucine.
Molecular consequence: missense variant. On other transcripts: non-coding transcript variant (1).
Genome position (GRCh38, 1-based): chr19:10,986,339, C>T. VCF-style: chr19-10986339-C-T. GRCh37 (hg19) VCF-style: chr19-11097015-C-T.
Other names: c.506C>T, p.Pro169Leu (NM_001128844.3, NM_001128845.2, NM_001128846.2 and 6 more transcripts); short protein forms P169L.
Identifiers: ClinVar variation 1804219 (VCV001804219.1), dbSNP rs2145776403, ClinGen allele CA404056185.
Genomic context (GRCh38, chr19:10,986,339, plus strand): 5'-CAGGAGGTGCCCCGCTGGATGGTGCTGACCCCCAGGCCTTGGGGCAGCAGAACCGGGGCC[C>T]AACCCCATTTAACCAGAACCAGCTGCACCAGCTCAGAGCTCAGATCATGGCCTACAAGAT-3'
Protein context (NP_003063.2, residues 159-179): PQALGQQNRG[Pro169Leu]TPFNQNQLHQ